The following is an entry in ClinVar:

ClinVar aggregate classification (germline): Uncertain significance (1 of 4 stars; one submission).

Conditions:
Developmental and epileptic encephalopathy, 1 (DEE1). Also called: X-linked infantile spasms; West's syndrome; Tonic spasms with clustering, arrest of psychomotor development and hypsarrhythmia on EEG; X-Linked Infantile Spasm Syndrome; OHTAHARA SYNDROME, X-LINKED; INFANTILE SPASM SYNDROME, X-LINKED 1. Identifiers: MedGen C3463992, MONDO:0010632, OMIM 308350. Disease mechanism: loss of function.
Autosomal dominant nonsyndromic hearing loss 65. Also called: TBC1D24-Related Autosomal Dominant Nonsyndromic Hearing Loss (DFNA); Deafness, autosomal dominant 65. Identifiers: Orphanet 90635, MedGen C3892048, MONDO:0014470, OMIM 616044.

Submission:

Labcorp Genetics (formerly Invitae), Labcorp
Classification: Uncertain significance for Developmental and epileptic encephalopathy, 1; Autosomal dominant nonsyndromic hearing loss 65. Last evaluated: 2022-06-17. Review status: criteria provided, single submitter. Criteria: Invitae Variant Classification Sherloc (09022015). Collection method: clinical testing. Allele origin: germline.
Comment: In summary, the available evidence is currently insufficient to determine the role of this variant in disease. Therefore, it has been classified as a Variant of Uncertain Significance. Algorithms developed to predict the effect of sequence changes on RNA splicing suggest that this variant may disrupt the consensus splice site. This variant has not been reported in the literature in individuals affected with TBC1D24-related conditions. This variant is not present in population databases (gnomAD no frequency). This sequence change falls in intron 2 of the TBC1D24 gene. It does not directly change the encoded amino acid sequence of the TBC1D24 protein.

NM_001199107.2(TBC1D24):c.966-10T>A

Gene: TBC1D24 (TBC1 domain family member 24; plus strand). Cytogenetic location: 16p13.3.
Variant type: single nucleotide variant.
Coding change: c.966-10T>A on transcript NM_001199107.2 (MANE Select); 10 bases into the intron before coding-DNA position 966, T replaced by A.
Molecular consequence: intron variant.
Genome position (GRCh38, 1-based): chr16:2,497,700, T>A. VCF-style: chr16-2497700-T-A. GRCh37 (hg19) VCF-style: chr16-2547701-T-A.
Other names: c.966-538T>A (NM_020705.3).
Identifiers: ClinVar variation 1405004 (VCV001405004.6), dbSNP rs1217245218, ClinGen allele CA2573152005.